The following is an entry in ClinVar:

ClinVar aggregate classification (germline): Uncertain significance (1 of 4 stars; one submission).

Allele frequency attached by ClinVar (database versions not stated): gnomAD exomes below 0.00001.
gnomAD v4.1: 1 of 1,601,010 alleles (0.000062%); highest among the groups gnomAD compares: Non-Finnish European, 0.000086%; no homozygotes.

Submission:

Ambry Genetics
Classification: Uncertain significance. Last evaluated: 2023-03-26. Review status: criteria provided, single submitter. Criteria: Ambry Variant Classification Scheme 2023. Collection method: clinical testing. Allele origin: germline.
Comment: The p.Q387K variant (also known as c.1159C>A), located in coding exon 4 of the PALLD gene, results from a C to A substitution at nucleotide position 1159. The glutamine at codon 387 is replaced by lysine, an amino acid with similar properties. This amino acid position is conserved. In addition, this alteration is predicted to be deleterious by in silico analysis. Since supporting evidence is limited at this time, the clinical significance of this alteration remains unclear.

NM_001166108.2(PALLD):c.1159C>A (p.Gln387Lys)

Gene: PALLD (palladin, cytoskeletal associated protein; plus strand). Cytogenetic location: 4q32.3.
Variant type: single nucleotide variant.
Coding change: c.1159C>A on transcript NM_001166108.2 (MANE Select); coding-DNA position 1159, C replaced by A.
Protein change: p.Gln387Lys; replaces glutamine 387 with lysine.
Molecular consequence: missense variant.
Genome position (GRCh38, 1-based): chr4:168,683,002, C>A. VCF-style: chr4-168683002-C-A. GRCh37 (hg19) VCF-style: chr4-169604153-C-A.
Other names: c.13C>A, p.Gln5Lys (NM_001166109.2); c.1159C>A, p.Gln387Lys (NM_016081.4); short protein forms Q5K, Q387K.
Identifiers: ClinVar variation 2563390 (VCV002563390.2), dbSNP rs2531590450, ClinGen allele CA358794153.